The following is an entry in ClinVar:

NM_001127222.2(CACNA1A):c.4174G>C (p.Val1392Leu)

Genes: CACNA1A (calcium voltage-gated channel subunit alpha1 A; minus strand), LOC126862864 (MED14-independent group 3 enhancer GRCh37_chr19:13371552-13372751; plus strand). Cytogenetic location: 19p13.13.
Variant type: single nucleotide variant.
Coding change: c.4174G>C on transcript NM_001127222.2 (MANE Select); coding-DNA position 4174, G replaced by C.
Protein change: p.Val1392Leu; replaces valine 1392 with leucine.
Molecular consequence: missense variant.
Genome position (GRCh38, 1-based): chr19:13,261,526, C>G on the plus strand (G>C on the coding strand, the complement: CACNA1A is on the minus strand). VCF-style: chr19-13261526-C-G. GRCh37 (hg19) VCF-style: chr19-13372340-C-G.
Other names: c.4186G>C, p.Val1396Leu (NM_000068.4, NM_023035.3); c.4177G>C, p.Val1393Leu (NM_001127221.2, NM_001174080.2); short protein forms V1393L, V1396L, V1392L.
Identifiers: ClinVar variation 280773 (VCV000280773.2), dbSNP rs794727411, ClinGen allele CA10603625.
Genomic context (GRCh38, chr19:13,261,526, plus strand): 5'-ACTCTTTGGACTCGTCAGTGCAGTGGAAGAATTTCCCCTTGAAGAGCTGCACAGCCACCA[C>G]GGCGAAGATGAACATGAATAGCATGTAGACGATGAGGATGTTGAAGACGTTTTTAAGTGA-3'
Protein context (NP_001120694.1, residues 1382-1402): VYMLFMFIFA[Val1392Leu]VAVQLFKGKF

ClinVar aggregate classification (germline): Pathogenic (1 of 4 stars; one submission).

Submission:

GeneDx
Classification: Pathogenic. Last evaluated: 2016-08-08. Review status: criteria provided, single submitter. Criteria: GeneDx Variant Classification (06012015). Collection method: clinical testing. Allele origin: germline. Affected: yes.
Comment: The V1393L variant in the CACNA1A gene has not been reported previously as a pathogenic variant nor as a benign variant, to our knowledge. The V1393L variant was not observed in approximately 6300 individuals of European and African American ancestry in the NHLBI Exome Sequencing Project, indicating it is not a common benign variant in these populations. The V1393L variant is a conservative amino acid substitution. This substitution alters a conserved position predicted to be within transmembrane segment S5 in the third homologous domain of the CACNA1A protein. In silico analysis predicts this variant is probably damaging to the protein structure/function. We interpret V1393L as a pathogenic variant.